The following is an entry in ClinVar:

ClinVar aggregate classification (germline): Uncertain significance (1 of 4 stars; one submission).

Submission:

GeneDx
Classification: Uncertain significance. Last evaluated: 2026-01-27. Review status: criteria provided, single submitter. Criteria: GeneDx Variant Classification Process June 2021. Collection method: clinical testing. Allele origin: germline.
Comment: De novo variant with confirmed parentage in a patient with ADHD (Olfson E et al. (2023) medRxiV.); Not observed at significant frequency in large population cohorts (gnomAD); In silico analysis supports that this missense variant has a deleterious effect on protein structure/function; This variant is associated with the following publications: (PMID: Olfson2023[casereport])

NM_001190274.2(FBXO11):c.2752C>T (p.Pro918Ser)

Genes: FBXO11 (F-box protein 11; minus strand), MSH6 (mutS homolog 6; plus strand). Cytogenetic location: 2p16.3.
Variant type: single nucleotide variant.
Coding change: c.2752C>T on transcript NM_001190274.2 (MANE Select); coding-DNA position 2752, C replaced by T.
Protein change: p.Pro918Ser; replaces proline 918 with serine.
Molecular consequence: missense variant. On other transcripts: intron variant (6).
Genome position (GRCh38, 1-based): chr2:47,808,150, G>A on the plus strand (C>T on the coding strand, the complement: FBXO11 is on the minus strand). VCF-style: chr2-47808150-G-A. GRCh37 (hg19) VCF-style: chr2-48035289-G-A.
Other names: c.2500C>T, p.Pro834Ser (NM_001374325.1, NM_025133.4); c.*43+1247G>A (NM_001406809.1); c.*40+1250G>A (NM_001406796.1, NM_001406811.1, NM_001406805.1 and 2 more transcripts); short protein forms P834S, P918S.
Identifiers: ClinVar variation 4891383 (VCV004891383.1).